The following is an entry in ClinVar:

ClinVar aggregate classification (germline): Benign. Review status: criteria provided, multiple submitters, no conflicts (2 of 4 stars). 3 submissions from 3 submitters: Benign (2). 1 of the submissions does not count toward it. Last evaluated 2018-11-15.

Conditions:
SEC23IP-related disorder. Also called: SEC23IP-related condition.

Allele frequency attached by ClinVar (database versions not stated): ESP Exome Variant Server 0.01069; TOPMed 0.01103; 1000 Genomes Project 0.01378; 1000 Genomes Project 30x 0.01421.
gnomAD v4.1: 2,866 of 1,613,074 alleles (0.18%); highest among the groups gnomAD compares: African/African-American, 3.4%; 58 homozygotes.

Submissions (3):

Labcorp Genetics (formerly Invitae), Labcorp
Classification: Benign. Last evaluated: 2018-11-15. Review status: criteria provided, single submitter. Criteria: Invitae Variant Classification Sherloc (09022015). Collection method: clinical testing. Allele origin: germline.

Breakthrough Genomics
Classification: Benign. Review status: criteria provided, single submitter. Criteria: ACMG Guidelines, 2015. Collection method: not provided. Allele origin: germline. Inheritance: Unknown mechanism. Affected: yes.

PreventionGenetics, part of Exact Sciences
Classification: Benign for SEC23IP-related condition. Last evaluated: 2019-03-18. Review status: no assertion criteria provided. Collection method: clinical testing. Allele origin: germline. Not counted in ClinVar's aggregate classification.
Comment: This variant is classified as benign based on ACMG/AMP sequence variant interpretation guidelines (Richards et al. 2015 PMID: 25741868, with internal and published modifications).

NM_007190.4(SEC23IP):c.133G>A (p.Ala45Thr)

Gene: SEC23IP (SEC23 interacting protein; plus strand). Cytogenetic location: 10q26.11.
Variant type: single nucleotide variant.
Coding change: c.133G>A on transcript NM_007190.4 (MANE Select); coding-DNA position 133, G replaced by A.
Protein change: p.Ala45Thr; replaces alanine 45 with threonine.
Molecular consequence: missense variant. On other transcripts: non-coding transcript variant (1).
Genome position (GRCh38, 1-based): chr10:119,892,915, G>A. VCF-style: chr10-119892915-G-A. GRCh37 (hg19) VCF-style: chr10-121652427-G-A.
Other names: short protein forms A45T.
Identifiers: ClinVar variation 780914 (VCV000780914.6), dbSNP rs73357833, ClinGen allele CA5718186.